The following is an entry in ClinVar:

ClinVar aggregate classification (germline): Uncertain significance (1 of 4 stars; one submission).

Conditions:
Hereditary cancer-predisposing syndrome. Also called: Neoplastic Syndromes, Hereditary; Tumor predisposition; Hereditary Cancer Syndrome; Hereditary neoplastic syndrome. Identifiers: Orphanet 140162, MedGen C0027672, MeSH D009386, MONDO:0015356.

Submission:

Ambry Genetics
Classification: Uncertain significance for Hereditary cancer-predisposing syndrome. Last evaluated: 2019-07-26. Review status: criteria provided, single submitter. Criteria: Ambry Variant Classification Scheme 2023. Collection method: clinical testing. Allele origin: germline.
Comment: The p.L539R variant (also known as c.1616T>G), located in coding exon 4 of the MSH6 gene, results from a T to G substitution at nucleotide position 1616. The leucine at codon 539 is replaced by arginine, an amino acid with dissimilar properties. This amino acid position is highly conserved in available vertebrate species. In addition, this alteration is predicted to be deleterious by in silico analysis. Since supporting evidence is limited at this time, the clinical significance of this alteration remains unclear.

NM_000179.3(MSH6):c.1616T>G (p.Leu539Arg)

Gene: MSH6 (mutS homolog 6; plus strand). Cytogenetic location: 2p16.3.
Variant type: single nucleotide variant.
Coding change: c.1616T>G on transcript NM_000179.3 (MANE Select); coding-DNA position 1616, T replaced by G.
Protein change: p.Leu539Arg; replaces leucine 539 with arginine.
Molecular consequence: missense variant.
Genome position (GRCh38, 1-based): chr2:47,799,599, T>G. VCF-style: chr2-47799599-T-G. GRCh37 (hg19) VCF-style: chr2-48026738-T-G.
Other names: c.1226T>G, p.Leu409Arg (NM_001281492.2); c.710T>G, p.Leu237Arg (NM_001281493.2, NM_001281494.2, NM_001406811.1 and 6 more transcripts); c.1712T>G, p.Leu571Arg (NM_001406795.1, NM_001406802.1); c.1616T>G, p.Leu539Arg (NM_001406796.1, NM_001406798.1, NM_001406800.1 and 3 more transcripts); c.1319T>G, p.Leu440Arg (NM_001406797.1, NM_001406801.1, NM_001406805.1 and 10 more transcripts); c.1091T>G, p.Leu364Arg (NM_001406799.1, NM_001406806.1, NM_001406807.1); c.1538T>G, p.Leu513Arg (NM_001406804.1); c.1622T>G, p.Leu541Arg (NM_001406813.1); and 1 more; short protein forms L364R, L440R, L483R, L513R, L539R, L541R, L571R, L237R.
Identifiers: ClinVar variation 1776505 (VCV001776505.2), dbSNP rs1422865375, ClinGen allele CA346747046.